The following is an entry in ClinVar:

NM_053025.4(MYLK):c.1684G>A (p.Glu562Lys)

Gene: MYLK (myosin light chain kinase; minus strand). Cytogenetic location: 3q21.1.
Variant type: single nucleotide variant.
Coding change: c.1684G>A on transcript NM_053025.4 (MANE Select); coding-DNA position 1684, G replaced by A.
Protein change: p.Glu562Lys; replaces glutamic acid 562 with lysine.
Molecular consequence: missense variant.
Genome position (GRCh38, 1-based): chr3:123,722,248, C>T on the plus strand (G>A on the coding strand, the complement: MYLK is on the minus strand). VCF-style: chr3-123722248-C-T. GRCh37 (hg19) VCF-style: chr3-123441095-C-T.
Other names: c.1156G>A, p.Glu386Lys (NM_001321309.2); c.1477G>A, p.Glu493Lys (NM_053026.4, NM_053028.4); c.1684G>A, p.Glu562Lys (NM_053027.4); short protein forms E562K, E493K, E386K.
Identifiers: ClinVar variation 573014 (VCV000573014.7), dbSNP rs765972446, ClinGen allele CA067402.

ClinVar aggregate classification (germline): Uncertain significance. Review status: criteria provided, multiple submitters, no conflicts (2 of 4 stars). 2 submissions from 2 submitters: Uncertain significance (2). Last evaluated 2025-04-30.

Conditions:
Familial thoracic aortic aneurysm and aortic dissection (TAAD). Also called: Thoracic aortic aneurysms and dissections. Identifiers: Orphanet 91387, MedGen C4707243, MONDO:0019625.
Aortic aneurysm, familial thoracic 7 (AAT7). Also called: AORTIC DISSECTION, FAMILIAL, WITH OR WITHOUT AORTIC ANEURYSM. Identifiers: MedGen C3151077, MONDO:0013418, OMIM 613780.

Allele frequency attached by ClinVar (database versions not stated): ExAC below 0.00001; gnomAD below 0.00001 and 0.00001; gnomAD exomes 0.00001; TOPMed 0.00001.
gnomAD v4.1: 13 of 1,568,200 alleles (0.00083%); highest among the groups gnomAD compares: Middle Eastern, 0.033%; no homozygotes.

Submissions (2):

Labcorp Genetics (formerly Invitae), Labcorp
Classification: Uncertain significance for Aortic aneurysm, familial thoracic 7. Last evaluated: 2025-04-30. Review status: criteria provided, single submitter. Criteria: Invitae Variant Classification Sherloc (09022015). Collection method: clinical testing. Allele origin: germline.
Comment: This sequence change replaces glutamic acid, which is acidic and polar, with lysine, which is basic and polar, at codon 562 of the MYLK protein (p.Glu562Lys). This variant is not present in population databases (gnomAD no frequency). This variant has not been reported in the literature in individuals affected with MYLK-related conditions. ClinVar contains an entry for this variant (Variation ID: 573014). Invitae Evidence Modeling of protein sequence and biophysical properties (such as structural, functional, and spatial information, amino acid conservation, physicochemical variation, residue mobility, and thermodynamic stability) indicates that this missense variant is not expected to disrupt MYLK protein function with a negative predictive value of 80%. In summary, the available evidence is currently insufficient to determine the role of this variant in disease. Therefore, it has been classified as a Variant of Uncertain Significance.

Ambry Genetics
Classification: Uncertain significance for Familial thoracic aortic aneurysm and aortic dissection. Last evaluated: 2024-06-14. Review status: criteria provided, single submitter. Criteria: Ambry Variant Classification Scheme 2023. Collection method: clinical testing. Allele origin: germline.
Comment: The p.E562K variant (also known as c.1684G>A), located in coding exon 10 of the MYLK gene, results from a G to A substitution at nucleotide position 1684. The glutamic acid at codon 562 is replaced by lysine, an amino acid with similar properties. This amino acid position is conserved. In addition, this alteration is predicted to be tolerated by in silico analysis. Based on the available evidence, the clinical significance of this variant remains unclear.